The following is an entry in ClinVar:

ClinVar aggregate classification (germline): Uncertain significance. Review status: criteria provided, multiple submitters, no conflicts (2 of 4 stars). 3 submissions from 3 submitters: Uncertain significance (3). Last evaluated 2025-09-26.

Conditions:
Tuberous sclerosis 2 (TSC2). Identifiers: Orphanet 805, MedGen C1860707, MONDO:0013199, OMIM 613254.
Hereditary cancer-predisposing syndrome. Also called: Neoplastic Syndromes, Hereditary; Hereditary neoplastic syndrome; Tumor predisposition; Hereditary Cancer Syndrome. Identifiers: Orphanet 140162, MedGen C0027672, MeSH D009386, MONDO:0015356.

Allele frequency attached by ClinVar (database versions not stated): gnomAD exomes below 0.00001; gnomAD 0.00001; TOPMed 0.00001.
gnomAD v4.1: 2 of 1,611,224 alleles (0.00012%); highest among the groups gnomAD compares: Admixed American, 0.0017%; no homozygotes.

Submissions (3):

Ambry Genetics
Classification: Uncertain significance for Hereditary cancer-predisposing syndrome. Last evaluated: 2025-09-26. Review status: criteria provided, single submitter. Criteria: Ambry Variant Classification Scheme 2023. Collection method: clinical testing. Allele origin: germline.
Comment: The c.3883+1G>T intronic variant results from a G to T substitution one nucleotide after coding exon 31 of the TSC2 gene. This nucleotide position is highly conserved in available vertebrate species. In silico splice site analysis predicts that this alteration will weaken the native splice donor site. RNA studies have demonstrated that this alteration results in a splice defect involving exons excluded from naturally occurring transcripts; the clinical impact of this abnormal splicing is unknown at this time (Ambry internal data). Based on the available evidence, the clinical significance of this variant remains unclear.

Labcorp Genetics (formerly Invitae), Labcorp
Classification: Uncertain significance for Tuberous sclerosis 2. Last evaluated: 2023-10-13. Review status: criteria provided, single submitter. Criteria: Invitae Variant Classification Sherloc (09022015). Collection method: clinical testing. Allele origin: germline.
Comment: This sequence change affects a donor splice site in intron 32 of the TSC2 gene. Loss-of-function variants in TSC2 are known to be pathogenic (PMID: 10205261, 17304050). However, tissue-specific alternative splicing of TSC2 gene results in a functional isoform lacking in-frame exon 32 (also known as exon 31, PMID: 26703369). For this reason the clinical significance of loss of function variants in exon 32 is currently uncertain. This variant is not present in population databases (gnomAD no frequency). This variant has not been reported in the literature in individuals affected with TSC2-related conditions. ClinVar contains an entry for this variant (Variation ID: 1931755). Algorithms developed to predict the effect of sequence changes on RNA splicing suggest that this variant may disrupt the consensus splice site. In summary, the available evidence is currently insufficient to determine the role of this variant in disease. Therefore, it has been classified as a Variant of Uncertain Significance.

GeneDx
Classification: Uncertain significance. Last evaluated: 2022-12-29. Review status: criteria provided, single submitter. Criteria: GeneDx Variant Classification Process June 2021. Collection method: clinical testing. Allele origin: germline. Affected: yes.
Comment: Not observed at significant frequency in large population cohorts (gnomAD); Has not been previously published as pathogenic or benign to our knowledge; RNA expression analysis demonstrates an abundance of transcripts lacking this exon in multiple normal tissue types from healthy adults, and in vitro studies indicate that this exon is not essential for normal functional activity of the TSC complex (Ekong et al., 2016).; Although this variant is predicted to cause loss exon 32, current evidence indicates that variants in exon 32 (referred to as exon 31 by alternate numbering) are unlikely to cause tuberous sclerosis (TS) (Ekong et al., 2016).; This variant is associated with the following publications: (PMID: 26703369)

Literature cited by the submitters: PubMed 10205261 (cited by Labcorp Genetics (formerly Invitae), Labcorp); PubMed 17304050 (cited by Labcorp Genetics (formerly Invitae), Labcorp).

NM_000548.5(TSC2):c.3883+1G>T

Gene: TSC2 (TSC complex subunit 2; plus strand). Cytogenetic location: 16p13.3.
Variant type: single nucleotide variant.
Coding change: c.3883+1G>T on transcript NM_000548.5 (MANE Select); the canonical splice donor site of the intron after coding-DNA position 3883, G replaced by T.
Molecular consequence: splice donor variant. On other transcripts: intron variant (33), missense variant (1).
Genome position (GRCh38, 1-based): chr16:2,082,505, G>T. VCF-style: chr16-2082505-G-T. GRCh37 (hg19) VCF-style: chr16-2132506-G-T.
Other names: c.3883+1G>T (NM_000548.3); c.3283+1G>T (NM_001406680.1); c.3214+707G>T (NM_001406683.1, NM_001406682.1); c.3082+707G>T (NM_001406687.1, NM_001406688.1); c.2470+707G>T (NM_001406689.1); c.2410+1G>T (NM_001406690.1); c.2341+707G>T (NM_001406692.1, NM_001406694.1, NM_001406693.1); c.2407+1G>T (NM_001406691.1); and 27 more; short protein forms G1251V.
Identifiers: ClinVar variation 1931755 (VCV001931755.7), dbSNP rs2090268989, ClinGen allele CA394295347.